The following is an entry in ClinVar:

ClinVar aggregate classification (germline): Likely benign. Review status: criteria provided, multiple submitters, no conflicts (2 of 4 stars). 2 submissions from 2 submitters: Likely benign (2). Last evaluated 2026-04-01.

Allele frequency attached by ClinVar (database versions not stated): ExAC 0.00098; 1000 Genomes Project 0.00100; 1000 Genomes Project 30x 0.00109; gnomAD 0.00118; TOPMed 0.00144; ESP Exome Variant Server 0.00161.
gnomAD v4.1: 2,333 of 1,614,134 alleles (0.14%); highest among the groups gnomAD compares: Non-Finnish European, 0.18%; 3 homozygotes.

Submissions (2):

CeGaT Center for Human Genetics Tuebingen
Classification: Likely benign. Last evaluated: 2026-04-01. Review status: criteria provided, single submitter. Criteria: CeGaT Center For Human Genetics Tuebingen Variant Classification Criteria Version 2. Collection method: clinical testing. Allele origin: germline. Affected: yes. Observed: 13 variant alleles.
Comment: SLC45A1: BP4, BP7

Blueprint Genetics
Classification: Likely benign. Last evaluated: 2024-10-16. Review status: criteria provided, single submitter. Criteria: ACMG Guidelines, 2015. Collection method: clinical testing. Allele origin: germline.

NM_001080397.3(SLC45A1):c.2118C>T (p.Asn706=)

Gene: SLC45A1 (solute carrier family 45 member 1; plus strand). Cytogenetic location: 1p36.23.
Variant type: single nucleotide variant.
Coding change: c.2118C>T on transcript NM_001080397.3 (MANE Select); coding-DNA position 2118, C replaced by T.
Protein change: p.Asn706=; no amino-acid change (asparagine 706 retained).
Molecular consequence: synonymous variant.
Genome position (GRCh38, 1-based): chr1:8,343,884, C>T. VCF-style: chr1-8343884-C-T. GRCh37 (hg19) VCF-style: chr1-8403944-C-T.
Other names: c.2142C>T, p.Asn714= (NM_001379614.1); c.2049C>T, p.Asn683= (NM_001379615.1); c.2025C>T, p.Asn675= (NM_001379616.1); c.1536C>T, p.Asn512= (NM_001379617.1); c.1512C>T, p.Asn504= (NM_001379618.1).
Identifiers: ClinVar variation 1711207 (VCV001711207.31), dbSNP rs148858689, ClinGen allele CA570635.